The following is an entry in ClinVar:

NC_000010.10:g.(?_88659541)_(88659893_?)del

Gene: BMPR1A (bone morphogenetic protein receptor type 1A; plus strand). Cytogenetic location: 10q23.2.
Variant type: Deletion.
Identifiers: ClinVar variation 1459905 (VCV001459905.8).

ClinVar aggregate classification (germline): Pathogenic (1 of 4 stars; one submission).

Conditions:
Juvenile polyposis syndrome (JPS). Identifiers: Orphanet 2929, MedGen C0345893, MONDO:0017380, OMIM 174900.

Submission:

Labcorp Genetics (formerly Invitae), Labcorp
Classification: Pathogenic for Juvenile polyposis syndrome. Last evaluated: 2022-01-26. Review status: criteria provided, single submitter. Criteria: Invitae Variant Classification Sherloc (09022015). Collection method: clinical testing. Allele origin: germline.
Comment: For these reasons, this variant has been classified as Pathogenic. This variant has not been reported in the literature in individuals affected with BMPR1A-related conditions. This variant is a gross deletion of the genomic region encompassing exon(s) 6-7 of the BMPR1A gene. This deletion is out-of-frame, and is expected to create a premature termination codon and result in an absent or disrupted protein product. Loss-of-function variants in BMPR1A are known to be pathogenic (PMID: 11536076, 12417513).

Literature cited by the submitters: PubMed 11536076; PubMed 12417513.